The following is an entry in ClinVar:

ClinVar aggregate classification (germline): Uncertain significance (1 of 4 stars; one submission).

Submission:

Labcorp Genetics (formerly Invitae), Labcorp
Classification: Uncertain significance. Last evaluated: 2025-09-22. Review status: criteria provided, single submitter. Criteria: Invitae Variant Classification Sherloc (09022015). Collection method: clinical testing. Allele origin: germline.
Comment: This sequence change replaces asparagine, which is neutral and polar, with tyrosine, which is neutral and polar, at codon 171 of the MS4A1 protein (p.Asn171Tyr). Information on the frequency of this variant in the gnomAD database is not available, as this variant may be reported differently in the database. This variant has not been reported in the literature in individuals affected with MS4A1-related conditions. ClinVar contains an entry for this variant (Variation ID: 1991015). Experimental studies and prediction algorithms are not available or were not evaluated, and the functional significance of this variant is currently unknown. In summary, the available evidence is currently insufficient to determine the role of this variant in disease. Therefore, it has been classified as a Variant of Uncertain Significance.

NM_152866.3(MS4A1):c.510_511delinsAT (p.Asn171Tyr)

Gene: MS4A1 (membrane spanning 4-domains A1; plus strand). Cytogenetic location: 11q12.2.
Variant type: Indel.
Coding change: c.510_511delinsAT on transcript NM_152866.3 (MANE Select); coding-DNA positions 510 to 511, TA replaced by AT.
Protein change: p.Asn171Tyr; replaces asparagine 171 with tyrosine.
Molecular consequence: missense variant.
Genome position (GRCh38, 1-based): chr11:60,466,094-60,466,095, TA replaced by AT. VCF-style: chr11-60466094-TA-AT. GRCh37 (hg19) VCF-style: chr11-60233567-TA-AT.
Other names: c.510_511delinsAT, p.Asn171Tyr (NM_021950.4, NM_152867.2); short protein forms N171Y.
Identifiers: ClinVar variation 1991015 (VCV001991015.4), dbSNP rs2495410818, ClinGen allele CA2580084339.